The following is an entry in ClinVar:

ClinVar aggregate classification (germline): Uncertain significance (1 of 4 stars; one submission).

Conditions:
Inborn genetic diseases. Identifiers: MedGen C0950123, MeSH D030342.

Submission:

Ambry Genetics
Classification: Uncertain significance for Inborn genetic diseases. Last evaluated: 2025-03-23. Review status: criteria provided, single submitter. Criteria: Ambry Variant Classification Scheme 2023. Collection method: clinical testing. Allele origin: germline.
Comment: The c.519_521delAGAinsTCT variant, located in coding exon 6 of the DDX41 gene, results from an in-frame deletion of AGA and insertion of TCT at nucleotide positions 519 to 521. This results in the substitution of the aspartic acid residue for a leucine residue at codon 174, an amino acid with highly dissimilar properties. This amino acid position is well conserved in available vertebrate species. Based on the available evidence, the clinical significance of this variant remains unclear.

NM_016222.4(DDX41):c.519_521inv (p.Asp174Leu)

Gene: DDX41 (DEAD-box helicase 41; minus strand). Cytogenetic location: 5q35.3.
Variant type: Inversion.
Coding change: c.519_521inv on transcript NM_016222.4 (MANE Select).
Protein change: p.Asp174Leu; replaces aspartic acid 174 with leucine.
Molecular consequence: missense variant.
Genome position: GRCh38 VCF-style: chr5-177515735-TCT-AGA. GRCh37 (hg19) VCF-style: chr5-176942736-TCT-AGA.
Other names: c.141_143inv, p.Asp48Leu (NM_001321732.2, NM_001321830.2); short protein forms D174L, D48L.
Identifiers: ClinVar variation 4010257 (VCV004010257.1).